The following is an entry in ClinVar:

NM_003900.5(SQSTM1):c.608C>T (p.Pro203Leu)

Gene: SQSTM1 (sequestosome 1; plus strand). Cytogenetic location: 5q35.3.
Variant type: single nucleotide variant.
Coding change: c.608C>T on transcript NM_003900.5 (MANE Select); coding-DNA position 608, C replaced by T.
Protein change: p.Pro203Leu; replaces proline 203 with leucine.
Molecular consequence: missense variant.
Genome position (GRCh38, 1-based): chr5:179,824,258, C>T. VCF-style: chr5-179824258-C-T. GRCh37 (hg19) VCF-style: chr5-179251258-C-T.
Other names: c.356C>T, p.Pro119Leu (NM_001142298.2, NM_001142299.2); short protein forms P203L, P119L.
Identifiers: ClinVar variation 2042989 (VCV002042989.4), dbSNP rs2480215336, ClinGen allele CA362445775.

ClinVar aggregate classification (germline): Uncertain significance (1 of 4 stars; one submission).

Conditions:
Paget disease of bone 2, early-onset (PDB2). Also called: Paget disease of bone 2. Identifiers: MedGen C4085251, MONDO:0011183, OMIM 602080.
Frontotemporal dementia and/or amyotrophic lateral sclerosis 1 (FTDALS1). Also called: C9orf72 Frontotemporal Dementia and/or Amyotrophic Lateral Sclerosis; Frontotemporal dementia with motor neuron disease 1. Identifiers: Orphanet 275872, MedGen C5779877, MONDO:0007105, OMIM 105550.

Submission:

Labcorp Genetics (formerly Invitae), Labcorp
Classification: Uncertain significance for Paget disease of bone 2, early-onset; Frontotemporal dementia and/or amyotrophic lateral sclerosis 1. Last evaluated: 2022-07-23. Review status: criteria provided, single submitter. Criteria: Invitae Variant Classification Sherloc (09022015). Collection method: clinical testing. Allele origin: germline.
Comment: This sequence change replaces proline, which is neutral and non-polar, with leucine, which is neutral and non-polar, at codon 203 of the SQSTM1 protein (p.Pro203Leu). This variant is not present in population databases (gnomAD no frequency). This variant has not been reported in the literature in individuals affected with SQSTM1-related conditions. Algorithms developed to predict the effect of missense changes on protein structure and function are either unavailable or do not agree on the potential impact of this missense change (SIFT: "Deleterious"; PolyPhen-2: "Benign"; Align-GVGD: "Class C15"). In summary, the available evidence is currently insufficient to determine the role of this variant in disease. Therefore, it has been classified as a Variant of Uncertain Significance.